The following is an entry in ClinVar:

NM_000083.3(CLCN1):c.2896C>G (p.Leu966Val)

Gene: CLCN1 (chloride voltage-gated channel 1; plus strand). Cytogenetic location: 7q34.
Variant type: single nucleotide variant.
Coding change: c.2896C>G on transcript NM_000083.3 (MANE Select); coding-DNA position 2896, C replaced by G.
Protein change: p.Leu966Val; replaces leucine 966 with valine.
Molecular consequence: missense variant. On other transcripts: non-coding transcript variant (1).
Genome position (GRCh38, 1-based): chr7:143,351,894, C>G. VCF-style: chr7-143351894-C-G. GRCh37 (hg19) VCF-style: chr7-143048987-C-G.
Other names: short protein forms L966V.
Identifiers: ClinVar variation 1407964 (VCV001407964.6), dbSNP rs138115069, ClinGen allele CA369654126.

ClinVar aggregate classification (germline): Uncertain significance (1 of 4 stars; one submission).

Conditions:
Congenital myotonia, autosomal recessive form. Also called: BECKER DISEASE; Becker Generalized Myotonia; myotonia congenita, autosomal recessive. Identifiers: Orphanet 614, MedGen C0751360, MONDO:0009715, OMIM 255700.
Congenital myotonia, autosomal dominant form (THD). Also called: THOMSEN DISEASE; Myotonia congenita autosomal dominant. Identifiers: Orphanet 614, MedGen C2936781, MONDO:0008055, OMIM 160800.

Submission:

Labcorp Genetics (formerly Invitae), Labcorp
Classification: Uncertain significance for Congenital myotonia, autosomal recessive form; Congenital myotonia, autosomal dominant form. Last evaluated: 2022-11-29. Review status: criteria provided, single submitter. Criteria: Invitae Variant Classification Sherloc (09022015). Collection method: clinical testing. Allele origin: germline.
Comment: This sequence change replaces leucine, which is neutral and non-polar, with valine, which is neutral and non-polar, at codon 966 of the CLCN1 protein (p.Leu966Val). This variant is not present in population databases (gnomAD no frequency). This variant has not been reported in the literature in individuals affected with CLCN1-related conditions. ClinVar contains an entry for this variant (Variation ID: 1407964). Advanced modeling of protein sequence and biophysical properties (such as structural, functional, and spatial information, amino acid conservation, physicochemical variation, residue mobility, and thermodynamic stability) has been performed at Invitae for this missense variant, however the output from this modeling did not meet the statistical confidence thresholds required to predict the impact of this variant on CLCN1 protein function. In summary, the available evidence is currently insufficient to determine the role of this variant in disease. Therefore, it has been classified as a Variant of Uncertain Significance.